The following is an entry in ClinVar:

ClinVar aggregate classification (germline): Conflicting classifications of pathogenicity. Review status: criteria provided, conflicting classifications (1 of 4 stars). 5 submissions from 5 submitters: Uncertain significance (2); Likely benign (1). 2 of the submissions do not count toward it. Last evaluated 2026-02-01.

Conditions:
Insulin-dependent diabetes mellitus secretory diarrhea syndrome (IPEX). Also called: IPEX and IPEX-Like; DIABETES MELLITUS, CONGENITAL INSULIN-DEPENDENT, WITH FATAL SECRETORY DIARRHEA; DIARRHEA, POLYENDOCRINOPATHY, FATAL INFECTION SYNDROME, X-LINKED; ENTEROPATHY, AUTOIMMUNE, WITH HEMOLYTIC ANEMIA AND POLYENDOCRINOPATHY; IMMUNODEFICIENCY, POLYENDOCRINOPATHY, AND ENTEROPATHY, X-LINKED; Immunodysregulation, polyendocrinopathy, and enteropathy, X-linked. Identifiers: Orphanet 37042, MedGen C0342288, MONDO:0010580, OMIM 304790. Disease mechanism: loss of function.

Allele frequency attached by ClinVar (database versions not stated): ExAC below 0.00001; gnomAD exomes 0.00002 and 0.00004; TOPMed 0.00003; gnomAD 0.00004; ESP Exome Variant Server 0.00010.

Submissions (5):

CeGaT Center for Human Genetics Tuebingen
Classification: Likely benign. Last evaluated: 2026-02-01. Review status: criteria provided, single submitter. Criteria: CeGaT Center For Human Genetics Tuebingen Variant Classification Criteria Version 2. Collection method: clinical testing. Allele origin: germline. Affected: yes. Observed: 1 variant allele.
Comment: FOXP3: BS2

Labcorp Genetics (formerly Invitae), Labcorp
Classification: Uncertain significance for Insulin-dependent diabetes mellitus secretory diarrhea syndrome. Last evaluated: 2024-10-08. Review status: criteria provided, single submitter. Criteria: Invitae Variant Classification Sherloc (09022015). Collection method: clinical testing. Allele origin: germline.
Comment: This sequence change replaces arginine, which is basic and polar, with tryptophan, which is neutral and slightly polar, at codon 85 of the FOXP3 protein (p.Arg85Trp). The frequency data for this variant in the population databases is considered unreliable, as metrics indicate poor data quality at this position in the gnomAD database. This variant has not been reported in the literature in individuals affected with FOXP3-related conditions. ClinVar contains an entry for this variant (Variation ID: 1017006). Invitae Evidence Modeling of protein sequence and biophysical properties (such as structural, functional, and spatial information, amino acid conservation, physicochemical variation, residue mobility, and thermodynamic stability) indicates that this missense variant is not expected to disrupt FOXP3 protein function with a negative predictive value of 80%. In summary, the available evidence is currently insufficient to determine the role of this variant in disease. Therefore, it has been classified as a Variant of Uncertain Significance.

Fulgent Genetics
Classification: Uncertain significance for Insulin-dependent diabetes mellitus secretory diarrhea syndrome. Last evaluated: 2022-04-11. Review status: criteria provided, single submitter. Criteria: ACMG Guidelines, 2015. Collection method: clinical testing. Allele origin: unknown.

Clinical Genetics DNA and cytogenetics Diagnostics Lab, Erasmus MC, Erasmus Medical Center
Classification: Uncertain significance. Review status: no assertion criteria provided. Collection method: clinical testing. Allele origin: germline. Affected: yes. Study: VKGL Data-share Consensus. Not counted in ClinVar's aggregate classification.

Joint Genome Diagnostic Labs from Nijmegen and Maastricht, Radboudumc and MUMC+
Classification: Uncertain significance. Review status: no assertion criteria provided. Collection method: clinical testing. Allele origin: germline. Affected: yes. Study: VKGL Data-share Consensus. Not counted in ClinVar's aggregate classification.

NM_014009.4(FOXP3):c.253C>T (p.Arg85Trp)

Gene: FOXP3 (forkhead box P3; minus strand). Cytogenetic location: Xp11.23.
Variant type: single nucleotide variant.
Coding change: c.253C>T on transcript NM_014009.4 (MANE Select); coding-DNA position 253, C replaced by T.
Protein change: p.Arg85Trp; replaces arginine 85 with tryptophan.
Molecular consequence: missense variant. On other transcripts: intron variant (1).
Genome position (GRCh38, 1-based): chrX:49,257,726, G>A on the plus strand (C>T on the coding strand, the complement: FOXP3 is on the minus strand). VCF-style: chrX-49257726-G-A. GRCh37 (hg19) VCF-style: chrX-49114183-G-A.
Other names: c.211-161C>T (NM_001114377.2); short protein forms R85W.
Identifiers: ClinVar variation 1017006 (VCV001017006.13), dbSNP rs376715533, ClinGen allele CA10411838.
Genomic context (GRCh38, chrX:49,257,726, plus strand): 5'-GGTGCATGAAATGTGGCCTGTCCTGGAGGAGTGCCTGTAAGTGGGGCAAGGGGCCCAGCC[G>A]TGCCCCGGAGGGTGCCACCATGACTAGGGGCAGTGTGGGCAGCTGGGCAGAAAGGCAGGT-3'
Protein context (NP_054728.2, residues 75-95): PLVMVAPSGA[Arg85Trp]LGPLPHLQAL